The following is an entry in ClinVar:

NM_021008.4(DEAF1):c.108G>T (p.Glu36Asp)

Gene: DEAF1 (DEAF1 transcription factor; minus strand). Cytogenetic location: 11p15.5.
Variant type: single nucleotide variant.
Coding change: c.108G>T on transcript NM_021008.4 (MANE Select); coding-DNA position 108, G replaced by T.
Protein change: p.Glu36Asp; replaces glutamic acid 36 with aspartic acid.
Molecular consequence: missense variant. On other transcripts: intron variant (1).
Genome position (GRCh38, 1-based): chr11:694,940, C>A on the plus strand (G>T on the coding strand, the complement: DEAF1 is on the minus strand). VCF-style: chr11-694940-C-A. GRCh37 (hg19) VCF-style: chr11-694940-C-A.
Other names: c.108G>T, p.Glu36Asp (NM_001293634.2); c.-437-3342G>T (NM_001367390.1); short protein forms E36D.
Identifiers: ClinVar variation 521343 (VCV000521343.11), dbSNP rs868034883, ClinGen allele CA216910859.

ClinVar aggregate classification (germline): Uncertain significance. Review status: criteria provided, multiple submitters, no conflicts (2 of 4 stars). 2 submissions from 2 submitters: Uncertain significance (2). Last evaluated 2023-08-30.

Conditions:
Inborn genetic diseases. Identifiers: MedGen C0950123, MeSH D030342.

Allele frequency attached by ClinVar (database versions not stated): TOPMed below 0.00001.

Submissions (2):

Labcorp Genetics (formerly Invitae), Labcorp
Classification: Uncertain significance. Last evaluated: 2023-08-30. Review status: criteria provided, single submitter. Criteria: Invitae Variant Classification Sherloc (09022015). Collection method: clinical testing. Allele origin: germline.
Comment: Advanced modeling of protein sequence and biophysical properties (such as structural, functional, and spatial information, amino acid conservation, physicochemical variation, residue mobility, and thermodynamic stability) performed at Invitae indicates that this missense variant is not expected to disrupt DEAF1 protein function. In summary, the available evidence is currently insufficient to determine the role of this variant in disease. Therefore, it has been classified as a Variant of Uncertain Significance. ClinVar contains an entry for this variant (Variation ID: 521343). This variant has not been reported in the literature in individuals affected with DEAF1-related conditions. This variant is not present in population databases (gnomAD no frequency). This sequence change replaces glutamic acid, which is acidic and polar, with aspartic acid, which is acidic and polar, at codon 36 of the DEAF1 protein (p.Glu36Asp).

Ambry Genetics
Classification: Uncertain significance for Inborn genetic diseases. Last evaluated: 2016-10-12. Review status: criteria provided, single submitter. Criteria: Ambry exome assertion method (8-5-2015). Collection method: clinical testing. Allele origin: germline. Affected: yes. Observed: 1 variant allele.